The following is an entry in ClinVar:

NM_020843.4(SCAPER):c.2890G>A (p.Glu964Lys)

Gene: SCAPER (S-phase cyclin A associated protein in the ER; minus strand). Cytogenetic location: 15q24.3.
Variant type: single nucleotide variant.
Coding change: c.2890G>A on transcript NM_020843.4 (MANE Select); coding-DNA position 2890, G replaced by A.
Protein change: p.Glu964Lys; replaces glutamic acid 964 with lysine.
Molecular consequence: missense variant. On other transcripts: non-coding transcript variant (1).
Genome position (GRCh38, 1-based): chr15:76,504,923, C>T on the plus strand (G>A on the coding strand, the complement: SCAPER is on the minus strand). VCF-style: chr15-76504923-C-T. GRCh37 (hg19) VCF-style: chr15-76797264-C-T.
Other names: c.2152G>A, p.Glu718Lys (NM_001145923.2); c.2908G>A, p.Glu970Lys (NM_001353009.2); c.2488G>A, p.Glu830Lys (NM_001353010.2, NM_001353012.2); c.2506G>A, p.Glu836Lys (NM_001353011.2); short protein forms E718K, E830K, E836K, E964K, E970K.
Identifiers: ClinVar variation 5037395 (VCV005037395.1).

ClinVar aggregate classification (germline): Uncertain significance (1 of 4 stars; one submission).

Submission:

GeneDx
Classification: Uncertain significance. Last evaluated: 2026-04-17. Review status: criteria provided, single submitter. Criteria: GeneDx Variant Classification Process June 2021. Collection method: clinical testing. Allele origin: germline.
Comment: Not observed at significant frequency in large population cohorts (gnomAD); In silico analysis suggests that this missense variant does not alter protein structure/function; Has not been previously published as pathogenic or benign to our knowledge